The following is an entry in ClinVar:

NM_007294.4(BRCA1):c.1567T>G (p.Leu523Val)

Gene: BRCA1 (BRCA1 DNA repair associated; minus strand). Cytogenetic location: 17q21.31.
Variant type: single nucleotide variant.
Coding change: c.1567T>G on transcript NM_007294.4 (MANE Select); coding-DNA position 1567, T replaced by G.
Protein change: p.Leu523Val; replaces leucine 523 with valine.
Molecular consequence: missense variant. On other transcripts: intron variant (137).
Genome position (GRCh38, 1-based): chr17:43,093,964, A>C on the plus strand (T>G on the coding strand, the complement: BRCA1 is on the minus strand). VCF-style: chr17-43093964-A-C. GRCh37 (hg19) VCF-style: chr17-41245981-A-C.
Other names: c.1354T>G, p.Leu452Val (NM_001407571.1, NM_001407853.1, NM_001407894.1 and 9 more transcripts); c.1567T>G, p.Leu523Val (NM_001407581.1, NM_001407582.1, NM_001407583.1 and 30 more transcripts); c.1564T>G, p.Leu522Val (NM_001407587.1, NM_001407590.1, NM_001407591.1 and 22 more transcripts); c.1558T>G, p.Leu520Val (NM_001407646.1, NM_001407647.1); c.1444T>G, p.Leu482Val (NM_001407648.1, NM_001407664.1, NM_001407665.1 and 19 more transcripts); c.1441T>G, p.Leu481Val (NM_001407649.1, NM_001407670.1, NM_001407671.1 and 11 more transcripts); c.1489T>G, p.Leu497Val (NM_001407653.1, NM_001407654.1, NM_001407655.1 and 4 more transcripts); c.1486T>G, p.Leu496Val (NM_001407659.1, NM_001407660.1, NM_001407661.1 and 1 more transcripts); and 40 more; short protein forms L476V, L523V, L396V, L412V, L434V, L435V, L482V, L227V.
Identifiers: ClinVar variation 937374 (VCV000937374.17), dbSNP rs754398271, ClinGen allele CA057352.

ClinVar aggregate classification (germline): Conflicting classifications of pathogenicity. Review status: criteria provided, conflicting classifications (1 of 4 stars). 5 submissions from 5 submitters: Uncertain significance (4); Likely benign (1). Last evaluated 2025-10-17.

Conditions:
Hereditary cancer-predisposing syndrome. Also called: Tumor predisposition; Hereditary neoplastic syndrome; Hereditary Cancer Syndrome; Neoplastic Syndromes, Hereditary. Identifiers: Orphanet 140162, MedGen C0027672, MeSH D009386, MONDO:0015356.
Hereditary breast ovarian cancer syndrome. Also called: BRCA1- and BRCA2-Associated Hereditary Breast and Ovarian Cancer; Hereditary breast and/or ovarian cancer syndrome; Hereditary breast and ovarian cancer syndrome; Hereditary breast and ovarian cancer; Breast and ovarian cancer; Hereditary breast and ovarian cancer syndrome (HBOC). Identifiers: Orphanet 145, MedGen C0677776, MeSH D061325, MONDO:0003582. Disease mechanism: loss of function.

Allele frequency attached by ClinVar (database versions not stated): gnomAD exomes below 0.00001; ExAC 0.00001.
gnomAD v4.1: 1 of 1,613,730 alleles (0.000062%); highest among the groups gnomAD compares: Non-Finnish European, 0.000085%; no homozygotes.

Submissions (5):

Quest Diagnostics Nichols Institute San Juan Capistrano
Classification: Uncertain significance. Last evaluated: 2025-10-17. Review status: criteria provided, single submitter. Criteria: Quest Diagnostics criteria. Collection method: clinical testing. Allele origin: unknown.
Comment: The BRCA1 c.1567T>G (p.Leu523Val) variant has been reported in the published literature in individuals with breast cancer (PMID: 38709234 (2024)), and suspected of hereditary breast and ovarian cancer syndrome (HBOC) (PMID: 34981296 (2022)). This variant has been described to be located in a region of the BRCA1 gene that is tolerant to missense sequence changes (PMID: 31911673 (2020)). A functional study demonstrated that this variant had a neutral impact on protein, however additional studies are needed to determine the global effect of this variant on protein function (PMID: 36833189 (2023)). The frequency of this variant in the general population (Genome Aggregation Database) is uninformative in the assessment of its pathogenicity. Analysis of this variant using bioinformatics tools for the prediction of the effect of amino acid changes on protein structure and function yielded conflicting predictions that this variant is benign or damaging. Based on the available information, we are unable to determine the clinical significance of this variant.

Labcorp Genetics (formerly Invitae), Labcorp
Classification: Uncertain significance for Hereditary breast ovarian cancer syndrome. Last evaluated: 2025-08-13. Review status: criteria provided, single submitter. Criteria: Invitae Variant Classification Sherloc (09022015). Collection method: clinical testing. Allele origin: germline.
Comment: This sequence change replaces leucine, which is neutral and non-polar, with valine, which is neutral and non-polar, at codon 523 of the BRCA1 protein (p.Leu523Val). This variant is present in population databases (rs754398271, gnomAD 0.0009%). This missense change has been observed in individual(s) with breast cancer (PMID: 34981296). ClinVar contains an entry for this variant (Variation ID: 937374). Invitae Evidence Modeling of protein sequence and biophysical properties (such as structural, functional, and spatial information, amino acid conservation, physicochemical variation, residue mobility, and thermodynamic stability) indicates that this missense variant is not expected to disrupt BRCA1 protein function with a negative predictive value of 80%. Experimental studies have shown that this missense change affects BRCA1 function (PMID: 36833189). In summary, the available evidence is currently insufficient to determine the role of this variant in disease. Therefore, it has been classified as a Variant of Uncertain Significance.

Color Diagnostics, LLC DBA Color Health
Classification: Uncertain significance for Hereditary cancer-predisposing syndrome. Last evaluated: 2025-05-31. Review status: criteria provided, single submitter. Criteria: ACMG Guidelines, 2015. Collection method: clinical testing. Allele origin: germline.
Comment: This missense variant replaces leucine with valine at codon 523 of the BRCA1 protein. Computational prediction is inconclusive regarding the impact of this variant on protein structure and function. A functional study reported that this variant has an intermediate level of protein expression compared to the benign and pathogenic controls, and that it does not impact BRCA1 function in co-immunoprecipitation assays with BARD1 and PALB2 and in a nuclear localization assay (PMID: 36833189). This variant has been reported in at least two suspected hereditary breast and ovarian cancer families (PMID: 34981296). A multifactorial analysis reported likelihood ratios based on co-occurrence with a pathogenic variant and family history of 1.033 and 1.037, respectively (PMID: 31131967). This variant has been identified in 1/250492 chromosomes in the general population by the Genome Aggregation Database (gnomAD). The available evidence is insufficient to determine the role of this variant in disease conclusively. Therefore, this variant is classified as a Variant of Uncertain Significance.

Ambry Genetics
Classification: Uncertain significance for Hereditary cancer-predisposing syndrome. Last evaluated: 2024-02-05. Review status: criteria provided, single submitter. Criteria: Ambry Variant Classification Scheme 2023. Collection method: clinical testing. Allele origin: germline.
Comment: The p.L523V variant (also known as c.1567T>G), located in coding exon 9 of the BRCA1 gene, results from a T to G substitution at nucleotide position 1567. The leucine at codon 523 is replaced by valine, an amino acid with highly similar properties. This amino acid position is well conserved in available vertebrate species. In addition, the in silico prediction for this alteration is inconclusive. Since supporting evidence is limited at this time, the clinical significance of this alteration remains unclear.

University of Washington Department of Laboratory Medicine, University of Washington
Classification: Likely benign for Hereditary cancer-predisposing syndrome. Last evaluated: 2023-03-23. Review status: criteria provided, single submitter. Criteria: Dines et al. (Genet Med. 2020). Collection method: curation. Allele origin: germline.
Comment: Missense variant in a coldspot region where missense variants are very unlikely to be pathogenic (PMID:31911673).

BRCA1 coldspot (exon 11 using historical exon numbering). Reclassification based on statistical prior probability

Literature cited by the submitters: PubMed 38709234 (cited by Quest Diagnostics Nichols Institute San Juan Capistrano); PubMed 31131967 (cited by Quest Diagnostics Nichols Institute San Juan Capistrano and Color Diagnostics, LLC DBA Color Health); PubMed 34981296 (cited by 3 submitters); PubMed 36833189 (cited by 3 submitters); PubMed 31911673 (cited by Quest Diagnostics Nichols Institute San Juan Capistrano).